The following is an entry in ClinVar:

ClinVar aggregate classification (germline): Pathogenic (1 of 4 stars; one submission).

Conditions:
Hereditary cancer-predisposing syndrome. Also called: Tumor predisposition; Neoplastic Syndromes, Hereditary; Hereditary Cancer Syndrome; Hereditary neoplastic syndrome. Identifiers: Orphanet 140162, MedGen C0027672, MeSH D009386, MONDO:0015356.

Submission:

Ambry Genetics
Classification: Pathogenic for Hereditary cancer-predisposing syndrome. Last evaluated: 2024-11-07. Review status: criteria provided, single submitter. Criteria: Ambry Variant Classification Scheme 2023. Collection method: clinical testing. Allele origin: germline.
Comment: The c.576delC pathogenic mutation, located in coding exon 5 of the CDH1 gene, results from a deletion of one nucleotide at nucleotide position 576, causing a translational frameshift with a predicted alternate stop codon (p.T193Lfs*22). This variant is considered to be rare based on population cohorts in the Genome Aggregation Database (gnomAD). This alteration is expected to result in loss of function by premature protein truncation or nonsense-mediated mRNA decay. As such, this alteration is interpreted as a disease-causing mutation.

NM_004360.5(CDH1):c.576del (p.Thr193fs)

Gene: CDH1 (cadherin 1; plus strand). Cytogenetic location: 16q22.1.
Variant type: Deletion.
Coding change: c.576del on transcript NM_004360.5 (MANE Select); coding-DNA position 576, one base deleted (C; older notation c.576delC).
Protein change: p.Thr193fs; shifts the reading frame from threonine 193.
Molecular consequence: frameshift variant. On other transcripts: 5 prime UTR variant (2).
Genome position (GRCh38, 1-based): chr16:68,808,737, C deleted. VCF-style (leftmost placement, unchanged base first): chr16-68808736-TC-T. GRCh37 (hg19) VCF-style: chr16-68842639-TC-T.
Other names: c.576del, p.Thr193fs (NM_001317184.2); c.-1040del (NM_001317185.2); c.-1244del (NM_001317186.2); short protein forms T193fs.
Identifiers: ClinVar variation 3488671 (VCV003488671.1).
Genomic context (GRCh38, chr16:68,808,736, plus strand): 5'-TTTCATTTTGTCTTCAGATCAAATCCAACAAAGACAAAGAAGGCAAGGTTTTCTACAGCA[TC>T]ACTGGCCAAGGAGCTGACACACCCCCTGTTGGTGTCTTTATTATTGAAAGAGAAACAGGA-3'